The following is an entry in ClinVar:

ClinVar aggregate classification (germline): Pathogenic/Likely pathogenic. Review status: criteria provided, multiple submitters, no conflicts (2 of 4 stars). 3 submissions from 3 submitters: Pathogenic (1); Likely pathogenic (2). Last evaluated 2025-02-28.

Conditions:
Hereditary spherocytosis type 1. Also called: Spherocytosis type 1; ANK1-Related Spherocytosis. Identifiers: Orphanet 822, MedGen C2674218, MONDO:0008447, OMIM 182900.

Submissions (3):

Mayo Clinic Laboratories, Mayo Clinic
Classification: Likely pathogenic. Last evaluated: 2025-02-28. Review status: criteria provided, single submitter. Criteria: ACMG Guidelines, 2015. Collection method: clinical testing. Allele origin: germline. Observed: 3 variant alleles.
Comment: PM2_supporting, PVS1_strong

Revvity Omics, Revvity
Classification: Likely pathogenic for Hereditary spherocytosis type 1. Last evaluated: 2024-08-09. Review status: criteria provided, single submitter. Criteria: ACMG Guidelines, 2015. Collection method: clinical testing. Allele origin: germline.

Labcorp Genetics (formerly Invitae), Labcorp
Classification: Pathogenic. Last evaluated: 2024-05-29. Review status: criteria provided, single submitter. Criteria: Invitae Variant Classification Sherloc (09022015). Collection method: clinical testing. Allele origin: germline.
Comment: This sequence change creates a premature translational stop signal (p.Gln1765*) in the ANK1 gene. It is expected to result in an absent or disrupted protein product. Loss-of-function variants in ANK1 are known to be pathogenic (PMID: 8640229). This variant is not present in population databases (gnomAD no frequency). This variant has not been reported in the literature in individuals affected with ANK1-related conditions. For these reasons, this variant has been classified as Pathogenic.

Literature cited by the submitters: PubMed 8640229 (cited by Labcorp Genetics (formerly Invitae), Labcorp).

NM_000037.4(ANK1):c.5293C>T (p.Gln1765Ter)

Gene: ANK1 (ankyrin 1; minus strand). Cytogenetic location: 8p11.21.
Variant type: single nucleotide variant.
Coding change: c.5293C>T on transcript NM_000037.4 (MANE Select); coding-DNA position 5293, C replaced by T.
Protein change: p.Gln1765Ter; replaces glutamine 1765 with a stop codon.
Molecular consequence: nonsense.
Genome position (GRCh38, 1-based): chr8:41,668,368, G>A on the plus strand (C>T on the coding strand, the complement: ANK1 is on the minus strand). VCF-style: chr8-41668368-G-A. GRCh37 (hg19) VCF-style: chr8-41525886-G-A.
Other names: p.Gln1765*; c.5416C>T, p.Gln1806Ter (NM_001142446.2); c.5293C>T, p.Gln1765Ter (NM_020475.3, NM_020476.3); c.4807C>T, p.Gln1603Ter (NM_020477.3); short protein forms Q1603*, Q1765*, Q1806*.
Identifiers: ClinVar variation 3655057 (VCV003655057.4).